The following is an entry in ClinVar:

NM_018297.4(NGLY1):c.404C>T (p.Pro135Leu)

Gene: NGLY1 (N-glycanase 1; minus strand). Cytogenetic location: 3p24.2.
Variant type: single nucleotide variant.
Coding change: c.404C>T on transcript NM_018297.4 (MANE Select); coding-DNA position 404, C replaced by T.
Protein change: p.Pro135Leu; replaces proline 135 with leucine.
Molecular consequence: missense variant.
Genome position (GRCh38, 1-based): chr3:25,764,154, G>A on the plus strand (C>T on the coding strand, the complement: NGLY1 is on the minus strand). VCF-style: chr3-25764154-G-A. GRCh37 (hg19) VCF-style: chr3-25805645-G-A.
Other names: c.404C>T, p.Pro135Leu (NM_001145293.2, NM_001145295.2); c.278C>T, p.Pro93Leu (NM_001145294.2); c.404C>T (NM_018297.3); short protein forms P135L, P93L.
Identifiers: ClinVar variation 1460798 (VCV001460798.7), dbSNP rs983411072, ClinGen allele CA71669729.

ClinVar aggregate classification (germline): Uncertain significance. Review status: criteria provided, multiple submitters, no conflicts (2 of 4 stars). 2 submissions from 2 submitters: Uncertain significance (2). Last evaluated 2025-02-10.

Conditions:
Inborn genetic diseases. Identifiers: MedGen C0950123, MeSH D030342.
Congenital disorder of deglycosylation (CDDG). Identifiers: MedGen C3808991, MONDO:0031376.

Allele frequency attached by ClinVar (database versions not stated): gnomAD 0.00006; TOPMed 0.00006; gnomAD exomes 0.00001.
gnomAD v4.1: 21 of 1,614,080 alleles (0.0013%); highest among the groups gnomAD compares: Non-Finnish European, 0.0015%; no homozygotes.

Submissions (2):

Ambry Genetics
Classification: Uncertain significance for Inborn genetic diseases. Last evaluated: 2025-02-10. Review status: criteria provided, single submitter. Criteria: Ambry Variant Classification Scheme 2023. Collection method: clinical testing. Allele origin: germline.

Labcorp Genetics (formerly Invitae), Labcorp
Classification: Uncertain significance for Congenital disorder of deglycosylation. Last evaluated: 2024-02-17. Review status: criteria provided, single submitter. Criteria: Invitae Variant Classification Sherloc (09022015). Collection method: clinical testing. Allele origin: germline.
Comment: This sequence change replaces proline, which is neutral and non-polar, with leucine, which is neutral and non-polar, at codon 135 of the NGLY1 protein (p.Pro135Leu). This variant is present in population databases (no rsID available, gnomAD 0.004%). This variant has not been reported in the literature in individuals affected with NGLY1-related conditions. ClinVar contains an entry for this variant (Variation ID: 1460798). Algorithms developed to predict the effect of missense changes on protein structure and function output the following: SIFT: "Not Available"; PolyPhen-2: "Benign"; Align-GVGD: "Not Available". The leucine amino acid residue is found in multiple mammalian species, which suggests that this missense change does not adversely affect protein function. In summary, the available evidence is currently insufficient to determine the role of this variant in disease. Therefore, it has been classified as a Variant of Uncertain Significance.